The following is an entry in ClinVar:

NM_001166108.2(PALLD):c.2176C>G (p.Pro726Ala)

Genes: CBR4 (carbonyl reductase 4; minus strand), PALLD (palladin, cytoskeletal associated protein; plus strand). Cytogenetic location: 4q32.3.
Variant type: single nucleotide variant.
Coding change: c.2176C>G on transcript NM_001166108.2 (MANE Select); coding-DNA position 2176, C replaced by G.
Protein change: p.Pro726Ala; replaces proline 726 with alanine.
Molecular consequence: missense variant.
Genome position (GRCh38, 1-based): chr4:168,894,654, C>G. VCF-style: chr4-168894654-C-G. GRCh37 (hg19) VCF-style: chr4-169815805-C-G.
Other names: c.1030C>G, p.Pro344Ala (NM_001166109.2); c.715C>G, p.Pro239Ala (NM_001166110.2); c.55C>G, p.Pro19Ala (NM_001367567.1, NM_001367568.1, NM_001367569.1 and 1 more transcripts); c.2176C>G, p.Pro726Ala (NM_016081.4); short protein forms P239A, P344A, P726A, P19A.
Identifiers: ClinVar variation 1787184 (VCV001787184.5), dbSNP rs1553969553, ClinGen allele CA358797782.

ClinVar aggregate classification (germline): Uncertain significance. Review status: criteria provided, multiple submitters, no conflicts (2 of 4 stars). 2 submissions from 2 submitters: Uncertain significance (2). Last evaluated 2023-06-15.

Conditions:
Pancreatic adenocarcinoma. Identifiers: MedGen C0281361, MONDO:0006047, HP:0006725.

Submissions (2):

Labcorp Genetics (formerly Invitae), Labcorp
Classification: Uncertain significance for Pancreatic adenocarcinoma. Last evaluated: 2023-06-15. Review status: criteria provided, single submitter. Criteria: Invitae Variant Classification Sherloc (09022015). Collection method: clinical testing. Allele origin: germline.
Comment: This sequence change replaces proline, which is neutral and non-polar, with alanine, which is neutral and non-polar, at codon 239 of the PALLD protein (p.Pro239Ala). This variant is not present in population databases (gnomAD no frequency). This variant has not been reported in the literature in individuals affected with PALLD-related conditions. ClinVar contains an entry for this variant (Variation ID: 1787184). An algorithm developed to predict the effect of missense changes on protein structure and function (PolyPhen-2) suggests that this variant is likely to be tolerated. In summary, the available evidence is currently insufficient to determine the role of this variant in disease. Therefore, it has been classified as a Variant of Uncertain Significance.

Ambry Genetics
Classification: Uncertain significance. Last evaluated: 2022-01-31. Review status: criteria provided, single submitter. Criteria: Ambry Variant Classification Scheme 2023. Collection method: clinical testing. Allele origin: germline.
Comment: The p.P726A variant (also known as c.2176C>G), located in coding exon 11 of the PALLD gene, results from a C to G substitution at nucleotide position 2176. The proline at codon 726 is replaced by alanine, an amino acid with highly similar properties. This amino acid position is conserved. In addition, this alteration is predicted to be tolerated by in silico analysis. Since supporting evidence is limited at this time, the clinical significance of this alteration remains unclear.